The following is an entry in ClinVar:

ClinVar aggregate classification (germline): Uncertain significance (1 of 4 stars; one submission).

Allele frequency attached by ClinVar (database versions not stated): gnomAD exomes below 0.00001; TOPMed 0.00001.
gnomAD v4.1: 2 of 1,614,182 alleles (0.00012%); highest among the groups gnomAD compares: South Asian, 0.0011%; no homozygotes.

Submission:

Labcorp Genetics (formerly Invitae), Labcorp
Classification: Uncertain significance. Last evaluated: 2023-05-02. Review status: criteria provided, single submitter. Criteria: Invitae Variant Classification Sherloc (09022015). Collection method: clinical testing. Allele origin: germline.
Comment: In summary, the available evidence is currently insufficient to determine the role of this variant in disease. Therefore, it has been classified as a Variant of Uncertain Significance. An algorithm developed to predict the effect of missense changes on protein structure and function (PolyPhen-2) suggests that this variant is likely to be disruptive. ClinVar contains an entry for this variant (Variation ID: 1472637). This variant has not been reported in the literature in individuals affected with SLC7A14-related conditions. This variant is present in population databases (no rsID available, gnomAD 0.003%). This sequence change replaces tryptophan, which is neutral and slightly polar, with serine, which is neutral and polar, at codon 225 of the SLC7A14 protein (p.Trp225Ser).

NM_020949.3(SLC7A14):c.674G>C (p.Trp225Ser)

Genes: SLC7A14 (solute carrier family 7 member 14; minus strand), SLC7A14-AS1 (SLC7A14 antisense RNA 1; plus strand). Cytogenetic location: 3q26.2.
Variant type: single nucleotide variant.
Coding change: c.674G>C on transcript NM_020949.3 (MANE Select); coding-DNA position 674, G replaced by C.
Protein change: p.Trp225Ser; replaces tryptophan 225 with serine.
Molecular consequence: missense variant.
Genome position (GRCh38, 1-based): chr3:170,498,752, C>G on the plus strand (G>C on the coding strand, the complement: SLC7A14 is on the minus strand). VCF-style: chr3-170498752-C-G. GRCh37 (hg19) VCF-style: chr3-170216541-C-G.
Other names: short protein forms W225S.
Identifiers: ClinVar variation 1472637 (VCV001472637.6), dbSNP rs1456825164, ClinGen allele CA355515074.